The following is an entry in ClinVar:

ClinVar aggregate classification (germline): Pathogenic/Likely pathogenic. Review status: criteria provided, multiple submitters, no conflicts (2 of 4 stars). 3 submissions from 3 submitters: Pathogenic (2); Likely pathogenic (1). Last evaluated 2026-08-20.

Conditions:
Nemaline myopathy 2 (NEM2). Also called: Nemaline myopathy 2, autosomal recessive. Identifiers: MedGen C1850569, MONDO:0009725, OMIM 256030.
Arthrogryposis multiplex congenita 6. Identifiers: MedGen C5543431, MONDO:0030281, OMIM 619334.

Submissions (3):

Myriad Genetics, Inc.
Classification: Pathogenic for Nemaline myopathy 2. Last evaluated: 2026-08-20. Review status: criteria provided, single submitter. Criteria: Myriad Autosomal Dominant, Autosomal Recessive and X-Linked Classification Criteria (2023). Collection method: clinical testing. Allele origin: unknown.
Comment: NM_001271208.1(NEB):c.21423delA(K7141Nfs*23) is a frameshift variant classified as pathogenic in the context of NEB-related nemaline myopathy. K7141Nfs*23 has been observed in a case with relevant disease (PMID: 25205138). Relevant functional assessments of this variant are not available in the literature. K7141Nfs*23 has not been observed in referenced population frequency databases. In summary, NM_001271208.1(NEB):c.21423delA(K7141Nfs*23) is a frameshift variant in a gene where loss of function is a known mechanism of disease, is predicted to disrupt protein function, and has been observed more frequently in cases with the relevant disease than in healthy populations. Please note: this variant was assessed in the context of healthy population screening.

Fulgent Genetics
Classification: Likely pathogenic for Nemaline myopathy 2; Arthrogryposis multiplex congenita 6. Last evaluated: 2024-04-11. Review status: criteria provided, single submitter. Criteria: ACMG Guidelines, 2015. Collection method: clinical testing. Allele origin: germline.

Labcorp Genetics (formerly Invitae), Labcorp
Classification: Pathogenic for Nemaline myopathy 2. Last evaluated: 2022-03-29. Review status: criteria provided, single submitter. Criteria: Invitae Variant Classification Sherloc (09022015). Collection method: clinical testing. Allele origin: germline.
Comment: This variant is not present in population databases (gnomAD no frequency). This sequence change creates a premature translational stop signal (p.Lys7141Asnfs*23) in the NEB gene. It is expected to result in an absent or disrupted protein product. Loss-of-function variants in NEB are known to be pathogenic (PMID: 25205138). This premature translational stop signal has been observed in individual(s) with nemaline myopathy (PMID: 25205138). ClinVar contains an entry for this variant (Variation ID: 950169). For these reasons, this variant has been classified as Pathogenic.

Literature cited by the submitters: PubMed 25205138 (cited by Myriad Genetics, Inc. and Labcorp Genetics (formerly Invitae), Labcorp).

NM_001164508.2(NEB):c.21318del (p.Lys7106fs)

Genes: NEB (nebulin; minus strand), RIF1 (replication timing regulatory factor 1; plus strand). Cytogenetic location: 2q23.3.
Variant type: Deletion.
Coding change: c.21318del on transcript NM_001164508.2 (MANE Select); coding-DNA position 21318, one base deleted (A; older notation c.21318delA).
Protein change: p.Lys7106fs; shifts the reading frame from lysine 7106.
Molecular consequence: frameshift variant. On other transcripts: intron variant (2).
Genome position (GRCh38, 1-based): chr2:151,533,541, T deleted on the plus strand (A on the coding strand, the reverse complement: NEB is on the minus strand); the first of 4 consecutive T bases (chr2:151,533,541-151,533,544); deleting any one gives the same sequence. VCF-style (leftmost placement, unchanged base first): chr2-151533540-AT-A. GRCh37 (hg19) VCF-style: chr2-152390054-AT-A.
Other names: c.21423del, p.Lys7141fs (NM_001271208.2); c.16314+674del (NM_004543.5); c.21417+674del (NM_001164507.2); short protein forms K7141fs, K7106fs.
Identifiers: ClinVar variation 950169 (VCV000950169.11), dbSNP rs2092318339, ClinGen allele CA913203564.
Genomic context (GRCh38, chr2:151,533,540, plus strand): 5'-TATCTGGACGCAGAATTTCATTACATCCATGTTGCAGAAACATCTTGGCACTAGATTTAT[AT>A]TTTCTCTGTCCATGCAAAGAGCAGTGAAGCACAAAAGAGACTTATGAAGACAGAAAAGAA-3'